The following is an entry in ClinVar:

NM_004408.4(DNM1):c.1195A>T (p.Arg399Ter)

Gene: DNM1 (dynamin 1; plus strand). Cytogenetic location: 9q34.11.
Variant type: single nucleotide variant.
Coding change: c.1195A>T on transcript NM_004408.4 (MANE Select); coding-DNA position 1195, A replaced by T.
Protein change: p.Arg399Ter; replaces arginine 399 with a stop codon.
Molecular consequence: nonsense. On other transcripts: missense variant (3).
Genome position (GRCh38, 1-based): chr9:128,222,859, A>T. VCF-style: chr9-128222859-A-T. GRCh37 (hg19) VCF-style: chr9-130985138-A-T.
Other names: c.1195A>T (NM_004408.3); c.1195A>T, p.Arg399Ter (NM_001005336.3, NM_001374269.1); c.1195A>T, p.Arg399Trp (NM_001288737.2, NM_001288738.2, NM_001288739.2); short protein forms R399W, R399*.
Identifiers: ClinVar variation 1472715 (VCV001472715.7), dbSNP rs2131175203, ClinGen allele CA375016722.

ClinVar aggregate classification (germline): Pathogenic/Likely pathogenic. Review status: criteria provided, multiple submitters, no conflicts (2 of 4 stars). 2 submissions from 2 submitters: Pathogenic (1); Likely pathogenic (1). Last evaluated 2023-03-02.

Conditions:
Developmental and epileptic encephalopathy, 31A. Also called: Epileptic encephalopathy, early infantile, 31; Developmental and epileptic encephalopathy, 31. Identifiers: Orphanet 2382, MedGen C4225357, MONDO:0014598, OMIM 616346.

Submissions (2):

GeneDx
Classification: Likely pathogenic. Last evaluated: 2023-03-02. Review status: criteria provided, single submitter. Criteria: GeneDx Variant Classification Process June 2021. Collection method: clinical testing. Allele origin: germline. Affected: yes.
Comment: Reported using an alternate transcript of the gene; Missense variants in exon 10a of isoform DNM1a are associated with DNM1-related epilepsy and neurodevelopmental disorder (Parthasarathy et al., 2022); De novo variant with confirmed parentage in a patient with epileptic encephalopathy in published literature (Parthasarathy et al., 2022); In silico analysis supports that this missense variant has a deleterious effect on protein structure/function; Not observed at significant frequency in large population cohorts (gnomAD); Also known as p.(R399*) (NM_004408.3); This variant is associated with the following publications: (PMID: 36413998)

Labcorp Genetics (formerly Invitae), Labcorp
Classification: Pathogenic for Developmental and epileptic encephalopathy, 31A. Last evaluated: 2022-09-19. Review status: criteria provided, single submitter. Criteria: Invitae Variant Classification Sherloc (09022015). Collection method: clinical testing. Allele origin: germline.
Comment: This sequence change creates a premature translational stop signal (p.Arg399*) in the DNM1 gene. It is expected to result in an absent or disrupted protein product. Loss-of-function variants in DNM1 are known to be pathogenic (PMID: 34172529). This variant is not present in population databases (gnomAD no frequency). For these reasons, this variant has been classified as Pathogenic. ClinVar contains an entry for this variant (Variation ID: 1472715). This variant has not been reported in the literature in individuals affected with DNM1-related conditions.

Literature cited by the submitters: PubMed 34172529 (cited by Labcorp Genetics (formerly Invitae), Labcorp).